The following is an entry in ClinVar:

ClinVar aggregate classification (germline): Uncertain significance (1 of 4 stars; one submission).

Conditions:
Cardiovascular phenotype. Identifiers: MedGen CN230736.
Hereditary cancer-predisposing syndrome. Also called: Tumor predisposition; Neoplastic Syndromes, Hereditary; Hereditary Cancer Syndrome; Hereditary neoplastic syndrome. Identifiers: Orphanet 140162, MedGen C0027672, MeSH D009386, MONDO:0015356.

Submission:

Ambry Genetics
Classification: Uncertain significance for Cardiovascular phenotype; Hereditary cancer-predisposing syndrome. Last evaluated: 2025-01-25. Review status: criteria provided, single submitter. Criteria: Ambry Variant Classification Scheme 2023. Collection method: clinical testing. Allele origin: germline.
Comment: The p.V1006D variant (also known as c.3017T>A), located in coding exon 23 of the NF1 gene, results from a T to A substitution at nucleotide position 3017. The valine at codon 1006 is replaced by aspartic acid, an amino acid with highly dissimilar properties. This amino acid position is conserved. In addition, the in silico prediction for this alteration is inconclusive. Based on the available evidence, the clinical significance of this variant remains unclear.

NM_001042492.3(NF1):c.3017T>A (p.Val1006Asp)

Gene: NF1 (neurofibromin 1; plus strand). Cytogenetic location: 17q11.2.
Variant type: single nucleotide variant.
Coding change: c.3017T>A on transcript NM_001042492.3 (MANE Select); coding-DNA position 3017, T replaced by A.
Protein change: p.Val1006Asp; replaces valine 1006 with aspartic acid.
Molecular consequence: missense variant.
Genome position (GRCh38, 1-based): chr17:31,230,286, T>A. VCF-style: chr17-31230286-T-A. GRCh37 (hg19) VCF-style: chr17-29557304-T-A.
Other names: c.3017T>A, p.Val1006Asp (NM_000267.4); short protein forms V1006D.
Identifiers: ClinVar variation 3879082 (VCV003879082.1).